The following is an entry in ClinVar:

NM_000138.5(FBN1):c.4472G>A (p.Cys1491Tyr)

Gene: FBN1 (fibrillin 1; minus strand). Cytogenetic location: 15q21.1.
Variant type: single nucleotide variant.
Coding change: c.4472G>A on transcript NM_000138.5 (MANE Select); coding-DNA position 4472, G replaced by A.
Protein change: p.Cys1491Tyr; replaces cysteine 1491 with tyrosine.
Molecular consequence: missense variant.
Genome position (GRCh38, 1-based): chr15:48,468,522, C>T on the plus strand (G>A on the coding strand, the complement: FBN1 is on the minus strand). VCF-style: chr15-48468522-C-T. GRCh37 (hg19) VCF-style: chr15-48760719-C-T.
Other names: c.4472G>A, p.Cys1491Tyr (NM_001406716.1); short protein forms C1491Y.
Identifiers: ClinVar variation 2137693 (VCV002137693.4), dbSNP rs2141273076, ClinGen allele CA392353807.

ClinVar aggregate classification (germline): Pathogenic (1 of 4 stars; one submission).

Conditions:
Familial thoracic aortic aneurysm and aortic dissection (TAAD). Also called: Thoracic aortic aneurysms and dissections. Identifiers: Orphanet 91387, MedGen C4707243, MONDO:0019625.
Marfan syndrome (MFS). Also called: MARFAN SYNDROME, TYPE I; Marfan syndrome type 1; Marfan's syndrome; Marfan syndrome, classic; FBN1-Related Marfan Syndrome. Identifiers: Orphanet 284963, Orphanet 558, MedGen C0024796, MONDO:0007947, OMIM 154700.

Submission:

Labcorp Genetics (formerly Invitae), Labcorp
Classification: Pathogenic for Marfan syndrome; Familial thoracic aortic aneurysm and aortic dissection. Last evaluated: 2024-04-25. Review status: criteria provided, single submitter. Criteria: Invitae Variant Classification Sherloc (09022015). Collection method: clinical testing. Allele origin: germline.
Comment: This sequence change replaces cysteine, which is neutral and slightly polar, with tyrosine, which is neutral and polar, at codon 1491 of the FBN1 protein (p.Cys1491Tyr). This variant is not present in population databases (gnomAD no frequency). This missense change has been observed in individual(s) with clinical features of Marfan syndrome (PMID: 19159394, 31098894). In at least one individual the variant was observed to be de novo. ClinVar contains an entry for this variant (Variation ID: 2137693). Advanced modeling of protein sequence and biophysical properties (such as structural, functional, and spatial information, amino acid conservation, physicochemical variation, residue mobility, and thermodynamic stability) performed at Invitae indicates that this missense variant is expected to disrupt FBN1 protein function with a positive predictive value of 95%. This variant affects a cysteine residue in the EGF-like, TGFBP or hybrid motif domains of FBN1. Cysteine residues are believed to be involved in intramolecular disulfide bridges and have been shown to be important for FBN1 protein structure (PMID: 16905551, 19349279). In addition, missense substitutions affecting cysteine residues within these domains are significantly overrepresented among patients with Marfan syndrome (PMID: 16571647, 17701892). For these reasons, this variant has been classified as Pathogenic.

Literature cited by the submitters: PubMed 19159394; PubMed 31098894; PubMed 16905551; PubMed 19349279; PubMed 16571647; PubMed 17701892.